The following is an entry in ClinVar:

ClinVar aggregate classification (germline): Uncertain significance. Review status: criteria provided, multiple submitters, no conflicts (2 of 4 stars). 2 submissions from 2 submitters: Uncertain significance (2). Last evaluated 2025-11-08.

Conditions:
Inborn genetic diseases. Identifiers: MedGen C0950123, MeSH D030342.
Familial cold autoinflammatory syndrome 4 (FCAS4). Identifiers: Orphanet 47045, Orphanet 576349, MedGen C4015276, MONDO:0014498, OMIM 616115.
Periodic fever-infantile enterocolitis-autoinflammatory syndrome. Also called: Autoinflammation with infantile enterocolitis. Identifiers: Orphanet 436166, MedGen C4015067, MONDO:0014472, OMIM 616050.

Allele frequency attached by ClinVar (database versions not stated): gnomAD exomes 0.00001 and 0.00002; TOPMed 0.00002.
gnomAD v4.1: 21 of 1,614,236 alleles (0.0013%); highest among the groups gnomAD compares: Admixed American, 0.005%; no homozygotes.

Submissions (2):

Ambry Genetics
Classification: Uncertain significance for Inborn genetic diseases. Last evaluated: 2025-11-08. Review status: criteria provided, single submitter. Criteria: Ambry Variant Classification Scheme 2023. Collection method: clinical testing. Allele origin: germline.

Labcorp Genetics (formerly Invitae), Labcorp
Classification: Uncertain significance for Periodic fever-infantile enterocolitis-autoinflammatory syndrome; Familial cold autoinflammatory syndrome 4. Last evaluated: 2025-10-26. Review status: criteria provided, single submitter. Criteria: Invitae Variant Classification Sherloc (09022015). Collection method: clinical testing. Allele origin: germline.
Comment: This sequence change replaces phenylalanine, which is neutral and non-polar, with leucine, which is neutral and non-polar, at codon 386 of the NLRC4 protein (p.Phe386Leu). This variant is present in population databases (no rsID available, gnomAD 0.009%). This variant has not been reported in the literature in individuals affected with NLRC4-related conditions. ClinVar contains an entry for this variant (Variation ID: 1022339). Invitae Evidence Modeling of protein sequence and biophysical properties (such as structural, functional, and spatial information, amino acid conservation, physicochemical variation, residue mobility, and thermodynamic stability) indicates that this missense variant is not expected to disrupt NLRC4 protein function with a negative predictive value of 80%. In summary, the available evidence is currently insufficient to determine the role of this variant in disease. Therefore, it has been classified as a Variant of Uncertain Significance.

NM_001199138.2(NLRC4):c.1156T>C (p.Phe386Leu)

Gene: NLRC4 (NLR family CARD domain containing 4; minus strand). Cytogenetic location: 2p22.3.
Variant type: single nucleotide variant.
Coding change: c.1156T>C on transcript NM_001199138.2 (MANE Select); coding-DNA position 1156, T replaced by C.
Protein change: p.Phe386Leu; replaces phenylalanine 386 with leucine.
Molecular consequence: missense variant. On other transcripts: intron variant (1).
Genome position (GRCh38, 1-based): chr2:32,250,708, A>G on the plus strand (T>C on the coding strand, the complement: NLRC4 is on the minus strand). VCF-style: chr2-32250708-A-G. GRCh37 (hg19) VCF-style: chr2-32475777-A-G.
Other names: c.1156T>C, p.Phe386Leu (NM_001199139.2, NM_021209.5); c.262+1711T>C (NM_001302504.1); short protein forms F386L.
Identifiers: ClinVar variation 1022339 (VCV001022339.9), dbSNP rs1408462382, ClinGen allele CA346513338.
Genomic context (GRCh38, chr2:32,250,708, plus strand): 5'-ACTTGTGGGAGAACACACCCTCCAGAGCTAGGTCTCCACAGTGGTCCAGGCTCCGAATGA[A>G]GTCACTTGCAGCCACACCTTTATGTTTGTGTTTGTTTTTCTGTATCAACAGATCATAGAA-3'
Protein context (NP_001186067.1, residues 376-396): HKHKGVAASD[Phe386Leu]IRSLDHCGDL